The following is an entry in ClinVar:

ClinVar aggregate classification (germline): Conflicting classifications of pathogenicity. Review status: criteria provided, conflicting classifications (1 of 4 stars). 3 submissions from 3 submitters: Uncertain significance (1); Likely benign (2). Last evaluated 2025-09-16.

Conditions:
NFIA-Related Disorder. Also called: NFIA-related condition; NFIA-related disorders. Identifiers: MedGen CN381099.
Inborn genetic diseases. Identifiers: MedGen C0950123, MeSH D030342.

Submissions (3):

PreventionGenetics, part of Exact Sciences
Classification: Likely benign for NFIA-related condition. Last evaluated: 2025-09-16. Review status: criteria provided, single submitter. Criteria: ACMG Guidelines, 2015. Collection method: clinical testing. Allele origin: germline.
Comment: This variant is classified as likely benign based on ACMG/AMP sequence variant interpretation guidelines (Richards et al. 2015 PMID: 25741868, with internal and published modifications).

Ambry Genetics
Classification: Uncertain significance for Inborn genetic diseases. Last evaluated: 2024-09-25. Review status: criteria provided, single submitter. Criteria: Ambry Variant Classification Scheme 2023. Collection method: clinical testing. Allele origin: germline.
Comment: The c.1390-6C>G intronic alteration consists of a C to G substitution 6 nucleotides before coding exon 10 in the NFIA gene. Based on insufficient or conflicting evidence, the clinical significance of this alteration remains unclear.

Labcorp Genetics (formerly Invitae), Labcorp
Classification: Likely benign. Last evaluated: 2024-02-17. Review status: criteria provided, single submitter. Criteria: Invitae Variant Classification Sherloc (09022015). Collection method: clinical testing. Allele origin: germline.

NM_001134673.4(NFIA):c.1255-6C>G

Gene: NFIA (nuclear factor I A; plus strand). Cytogenetic location: 1p31.3.
Variant type: single nucleotide variant.
Coding change: c.1255-6C>G on transcript NM_001134673.4 (MANE Select); 6 bases into the intron before coding-DNA position 1255, C replaced by G.
Molecular consequence: intron variant.
Genome position (GRCh38, 1-based): chr1:61,406,556, C>G. VCF-style: chr1-61406556-C-G. GRCh37 (hg19) VCF-style: chr1-61872228-C-G.
Other names: c.1390-6C>G (NM_001145512.1, NM_001145512.2); c.1255-6C>G (NM_005595.4, NM_005595.5); c.1231-6C>G (NM_001145511.2).
Identifiers: ClinVar variation 1361781 (VCV001361781.8), dbSNP rs2474380, ClinGen allele CA881251.